The following is an entry in ClinVar:

ClinVar aggregate classification (germline): Uncertain significance. Review status: criteria provided, multiple submitters, no conflicts (2 of 4 stars). 2 submissions from 2 submitters: Uncertain significance (2). Last evaluated 2025-04-05.

Conditions:
Hereditary cancer-predisposing syndrome. Also called: Neoplastic Syndromes, Hereditary; Tumor predisposition; Hereditary Cancer Syndrome; Hereditary neoplastic syndrome. Identifiers: Orphanet 140162, MedGen C0027672, MeSH D009386, MONDO:0015356.
Neurofibromatosis, type 2 (SWNV). Also called: BILATERAL ACOUSTIC NEUROFIBROMATOSIS; SCHWANNOMATOSIS, VESTIBULAR; NF2-Related Schwannomatosis. Identifiers: Orphanet 637, MedGen C0027832, MONDO:0007039, OMIM 101000. Disease mechanism: loss of function.

Submissions (2):

Ambry Genetics
Classification: Uncertain significance for Hereditary cancer-predisposing syndrome. Last evaluated: 2025-04-05. Review status: criteria provided, single submitter. Criteria: Ambry Variant Classification Scheme 2023. Collection method: clinical testing. Allele origin: germline.
Comment: The p.T67K variant (also known as c.200C>A), located in coding exon 2 of the NF2 gene, results from a C to A substitution at nucleotide position 200. The threonine at codon 67 is replaced by lysine, an amino acid with similar properties. This amino acid position is conserved. In addition, the in silico prediction for this alteration is inconclusive. Based on the available evidence, the clinical significance of this variant remains unclear.

Labcorp Genetics (formerly Invitae), Labcorp
Classification: Uncertain significance for Neurofibromatosis, type 2. Last evaluated: 2025-03-26. Review status: criteria provided, single submitter. Criteria: Invitae Variant Classification Sherloc (09022015). Collection method: clinical testing. Allele origin: germline.
Comment: This sequence change replaces threonine, which is neutral and polar, with lysine, which is basic and polar, at codon 67 of the NF2 protein (p.Thr67Lys). This variant is not present in population databases (gnomAD no frequency). This variant has not been reported in the literature in individuals affected with NF2-related conditions. ClinVar contains an entry for this variant (Variation ID: 2698213). Invitae Evidence Modeling of protein sequence and biophysical properties (such as structural, functional, and spatial information, amino acid conservation, physicochemical variation, residue mobility, and thermodynamic stability) indicates that this missense variant is not expected to disrupt NF2 protein function with a negative predictive value of 80%. In summary, the available evidence is currently insufficient to determine the role of this variant in disease. Therefore, it has been classified as a Variant of Uncertain Significance.

NM_000268.4(NF2):c.200C>A (p.Thr67Lys)

Gene: NF2 (NF2, moesin-ezrin-radixin like (MERLIN) tumor suppressor; plus strand). Cytogenetic location: 22q12.2.
Variant type: single nucleotide variant.
Coding change: c.200C>A on transcript NM_000268.4 (MANE Select); coding-DNA position 200, C replaced by A.
Protein change: p.Thr67Lys; replaces threonine 67 with lysine.
Molecular consequence: missense variant. On other transcripts: 5 prime UTR variant (2), intron variant (6).
Genome position (GRCh38, 1-based): chr22:29,636,836, C>A. VCF-style: chr22-29636836-C-A. GRCh37 (hg19) VCF-style: chr22-30032825-C-A.
Other names: c.86C>A, p.Thr29Lys (NM_001407053.1, NM_001407056.1); c.200C>A, p.Thr67Lys (NM_001407054.1, NM_001407057.1, NM_001407058.1 and 9 more transcripts); c.-441C>A (NM_001407065.1); c.-57C>A (NM_001407067.1); c.115-2254C>A (NM_181828.3, NM_001407055.1); c.115-5366C>A (NM_001407063.1, NM_181830.3, NM_001407064.1 and 1 more transcripts); short protein forms T29K, T67K.
Identifiers: ClinVar variation 2698213 (VCV002698213.4), dbSNP rs2146853974, ClinGen allele CA411152593.